The following is an entry in ClinVar:

NM_001287.6(CLCN7):c.558C>T (p.Phe186=)

Gene: CLCN7 (Cl-/H+ antiporter 7; minus strand). Cytogenetic location: 16p13.3.
Variant type: single nucleotide variant.
Coding change: c.558C>T on transcript NM_001287.6 (MANE Select); coding-DNA position 558, C replaced by T.
Protein change: p.Phe186=; no amino-acid change (phenylalanine 186 retained).
Molecular consequence: synonymous variant.
Genome position (GRCh38, 1-based): chr16:1,460,454, G>A on the plus strand (C>T on the coding strand, the complement: CLCN7 is on the minus strand). VCF-style: chr16-1460454-G-A. GRCh37 (hg19) VCF-style: chr16-1510455-G-A.
Other names: c.486C>T, p.Phe162= (NM_001114331.3).
Identifiers: ClinVar variation 502639 (VCV000502639.21), dbSNP rs147280414, ClinGen allele CA7810727.

ClinVar aggregate classification (germline): Conflicting classifications of pathogenicity. Review status: criteria provided, conflicting classifications (1 of 4 stars). 6 submissions from 6 submitters: Uncertain significance (3); Likely benign (3). Last evaluated 2026-09-01.

Conditions:
Osteopetrosis. Identifiers: Orphanet 2781, MedGen C0029454, MONDO:0017198, HP:0011002.
CLCN7-related disorder. Also called: CLCN7-related condition.

Allele frequency attached by ClinVar (database versions not stated): 1000 Genomes Project 30x 0.00016; TOPMed 0.00017; gnomAD 0.00018 and 0.00019; 1000 Genomes Project 0.00020; ESP Exome Variant Server 0.00062.

Submissions (6):

CeGaT Center for Human Genetics Tuebingen
Classification: Likely benign. Last evaluated: 2026-09-01. Review status: criteria provided, single submitter. Criteria: CeGaT Center For Human Genetics Tuebingen Variant Classification Criteria Version 2. Collection method: clinical testing. Allele origin: germline. Affected: yes. Observed: 1 variant allele.
Comment: CLCN7: BP4, BP7

PreventionGenetics, part of Exact Sciences
Classification: Uncertain significance for CLCN7-related condition. Last evaluated: 2026-03-25. Review status: criteria provided, single submitter. Criteria: ACMG Guidelines, 2015. Collection method: clinical testing. Allele origin: germline.
Comment: The CLCN7 c.558C>T variant is not predicted to result in an amino acid change (p.=). To our knowledge, this variant has not been reported in the literature. This variant is reported in 0.029% of alleles in individuals of European (Non-Finnish) descent in gnomAD. This variant is predicted to impact splicing based on available splicing prediction programs (SpliceAI, Jaganathan et al. 2019. PubMed ID: 30661751). This variant has conflicting interpretations in ClinVar, ranging from likely benign to uncertain (Variation ID: 502639). Although we suspect that this variant may be benign, at this time, the clinical significance of this variant is uncertain due to the absence of conclusive functional and genetic evidence.

Labcorp Genetics (formerly Invitae), Labcorp
Classification: Likely benign. Last evaluated: 2026-01-06. Review status: criteria provided, single submitter. Criteria: Invitae Variant Classification Sherloc (09022015). Collection method: clinical testing. Allele origin: germline.

Blueprint Genetics
Classification: Likely benign. Last evaluated: 2024-11-23. Review status: criteria provided, single submitter. Criteria: ACMG Guidelines, 2015. Collection method: clinical testing. Allele origin: germline.

Illumina Laboratory Services, Illumina
Classification: Uncertain significance for Osteopetrosis. Last evaluated: 2018-01-13. Review status: criteria provided, single submitter. Criteria: ICSL Variant Classification Criteria 13 December 2019. Collection method: clinical testing. Allele origin: germline.

Eurofins Ntd Llc (ga)
Classification: Uncertain significance. Last evaluated: 2017-06-26. Review status: criteria provided, single submitter. Criteria: EGL Classification Definitions 2015. Collection method: clinical testing. Allele origin: germline. Observed: 1 variant allele, 1 heterozygote.